The following is an entry in ClinVar:

NM_004963.4(GUCY2C):c.1878G>C (p.Met626Ile)

Gene: GUCY2C (guanylate cyclase 2C; minus strand). Cytogenetic location: 12p12.3.
Variant type: single nucleotide variant.
Coding change: c.1878G>C on transcript NM_004963.4 (MANE Select); coding-DNA position 1878, G replaced by C.
Protein change: p.Met626Ile; replaces methionine 626 with isoleucine.
Molecular consequence: missense variant.
Genome position (GRCh38, 1-based): chr12:14,643,626, C>G on the plus strand (G>C on the coding strand, the complement: GUCY2C is on the minus strand). VCF-style: chr12-14643626-C-G. GRCh37 (hg19) VCF-style: chr12-14796560-C-G.
Other names: short protein forms M626I.
Identifiers: ClinVar variation 3103301 (VCV003103301.3), dbSNP rs2137024140, ClinGen allele CA383985705.

ClinVar aggregate classification (germline): Uncertain significance. Review status: criteria provided, multiple submitters, no conflicts (2 of 4 stars). 2 submissions from 2 submitters: Uncertain significance (2). Last evaluated 2024-09-16.

Conditions:
Inborn genetic diseases. Identifiers: MedGen C0950123, MeSH D030342.

gnomAD v4.1: 2 of 1,613,578 alleles (0.00012%); highest among the groups gnomAD compares: South Asian, 0.0022%; no homozygotes.

Submissions (2):

Labcorp Genetics (formerly Invitae), Labcorp
Classification: Uncertain significance. Last evaluated: 2024-09-16. Review status: criteria provided, single submitter. Criteria: Invitae Variant Classification Sherloc (09022015). Collection method: clinical testing. Allele origin: germline.
Comment: This sequence change replaces methionine, which is neutral and non-polar, with isoleucine, which is neutral and non-polar, at codon 626 of the GUCY2C protein (p.Met626Ile). This variant is not present in population databases (gnomAD no frequency). This variant has not been reported in the literature in individuals affected with GUCY2C-related conditions. Invitae Evidence Modeling of protein sequence and biophysical properties (such as structural, functional, and spatial information, amino acid conservation, physicochemical variation, residue mobility, and thermodynamic stability) indicates that this missense variant is expected to disrupt GUCY2C protein function with a positive predictive value of 80%. In summary, the available evidence is currently insufficient to determine the role of this variant in disease. Therefore, it has been classified as a Variant of Uncertain Significance.

Ambry Genetics
Classification: Uncertain significance for Inborn genetic diseases. Last evaluated: 2024-03-04. Review status: criteria provided, single submitter. Criteria: Ambry Variant Classification Scheme 2023. Collection method: clinical testing. Allele origin: germline.